The following is an entry in ClinVar:

NM_001134363.3(RBM20):c.1448G>A (p.Gly483Glu)

Gene: RBM20 (RNA binding motif protein 20; plus strand). Cytogenetic location: 10q25.2.
Variant type: single nucleotide variant.
Coding change: c.1448G>A on transcript NM_001134363.3 (MANE Select); coding-DNA position 1448, G replaced by A.
Protein change: p.Gly483Glu; replaces glycine 483 with glutamic acid.
Molecular consequence: missense variant.
Genome position (GRCh38, 1-based): chr10:110,784,810, G>A. VCF-style: chr10-110784810-G-A. GRCh37 (hg19) VCF-style: chr10-112544568-G-A.
Other names: short protein forms G483E.
Identifiers: ClinVar variation 1056446 (VCV001056446.9), dbSNP rs2135050974, ClinGen allele CA378388393.

ClinVar aggregate classification (germline): Uncertain significance (1 of 4 stars; one submission).

Conditions:
Dilated cardiomyopathy 1DD (CMD1DD). Identifiers: Orphanet 154, MedGen C2750995, MONDO:0013168, OMIM 613172.

Submission:

Labcorp Genetics (formerly Invitae), Labcorp
Classification: Uncertain significance for Dilated cardiomyopathy 1DD. Last evaluated: 2022-03-09. Review status: criteria provided, single submitter. Criteria: Invitae Variant Classification Sherloc (09022015). Collection method: clinical testing. Allele origin: germline.
Comment: Advanced modeling of protein sequence and biophysical properties (such as structural, functional, and spatial information, amino acid conservation, physicochemical variation, residue mobility, and thermodynamic stability) performed at Invitae indicates that this missense variant is not expected to disrupt RBM20 protein function. Algorithms developed to predict the effect of sequence changes on RNA splicing suggest that this variant may disrupt the consensus splice site. In summary, the available evidence is currently insufficient to determine the role of this variant in disease. Therefore, it has been classified as a Variant of Uncertain Significance. ClinVar contains an entry for this variant (Variation ID: 1056446). This variant has not been reported in the literature in individuals affected with RBM20-related conditions. This variant is not present in population databases (gnomAD no frequency). This sequence change replaces glycine, which is neutral and non-polar, with glutamic acid, which is acidic and polar, at codon 483 of the RBM20 protein (p.Gly483Glu).